The following is an entry in ClinVar:

NM_006035.4(CDC42BPB):c.1064C>T (p.Ala355Val)

Gene: CDC42BPB (CDC42 binding protein kinase beta; minus strand). Cytogenetic location: 14q32.32.
Variant type: single nucleotide variant.
Coding change: c.1064C>T on transcript NM_006035.4 (MANE Select); coding-DNA position 1064, C replaced by T.
Protein change: p.Ala355Val; replaces alanine 355 with valine.
Molecular consequence: missense variant.
Genome position (GRCh38, 1-based): chr14:102,980,849, G>A on the plus strand (C>T on the coding strand, the complement: CDC42BPB is on the minus strand). VCF-style: chr14-102980849-G-A. GRCh37 (hg19) VCF-style: chr14-103447186-G-A.
Other names: c.1064C>T, p.Ala355Val (NM_001411054.1); short protein forms A355V.
Identifiers: ClinVar variation 3600705 (VCV003600705.1).

ClinVar aggregate classification (germline): Uncertain significance (1 of 4 stars; one submission).

Submission:

GeneDx
Classification: Uncertain significance. Last evaluated: 2024-07-22. Review status: criteria provided, single submitter. Criteria: GeneDx Variant Classification Process June 2021. Collection method: clinical testing. Allele origin: germline. Affected: yes.
Comment: Not observed at significant frequency in large population cohorts (gnomAD); In silico analysis supports that this missense variant has a deleterious effect on protein structure/function; Has not been previously published as pathogenic or benign to our knowledge